The following is an entry in ClinVar:

NM_001127178.3(PIGG):c.2123T>G (p.Val708Gly)

Gene: PIGG (phosphatidylinositol glycan anchor biosynthesis class G (EMM blood group); plus strand). Cytogenetic location: 4p16.3.
Variant type: single nucleotide variant.
Coding change: c.2123T>G on transcript NM_001127178.3 (MANE Select); coding-DNA position 2123, T replaced by G.
Protein change: p.Val708Gly; replaces valine 708 with glycine.
Molecular consequence: missense variant. On other transcripts: non-coding transcript variant (10).
Genome position (GRCh38, 1-based): chr4:527,092, T>G. VCF-style: chr4-527092-T-G. GRCh37 (hg19) VCF-style: chr4-520881-T-G.
Other names: c.1856T>G, p.Val619Gly (NM_001289051.2, NM_001345986.2); c.1724T>G, p.Val575Gly (NM_001289052.2); c.1832T>G, p.Val611Gly (NM_001345987.2); c.1094T>G, p.Val365Gly (NM_001345988.2); c.590T>G, p.Val197Gly (NM_001345990.2, NM_001345991.2); c.1025T>G, p.Val342Gly (NM_001345994.2); c.2099T>G, p.Val700Gly (NM_017733.5); short protein forms V611G, V700G, V365G, V197G, V342G, V619G, V708G, V575G.
Identifiers: ClinVar variation 1363290 (VCV001363290.8), dbSNP rs2108995068, ClinGen allele CA355908542.
Genomic context (GRCh38, chr4:527,092, plus strand): 5'-ATTTCAGCTCTGACCACAAAGCCGAGCTCTCTGTCCTGGCTGCCCTCTCCCTCCTCGTAG[T>G]TTTTGTGCTGGTGCAGAGGGGGTGCTCCCCTGTGTCCAAGGCTGCCCTGGCGCTGGGGCT-3'
Protein context (NP_001120650.1, residues 698-718): SVLAALSLLV[Val708Gly]FVLVQRGCSP

ClinVar aggregate classification (germline): Uncertain significance (1 of 4 stars; one submission).

Conditions:
Intellectual disability, autosomal recessive 53 (NEDHSCA). Also called: NEURODEVELOPMENTAL DISORDER WITH OR WITHOUT HYPOTONIA, SEIZURES, AND CEREBELLAR ATROPHY; GLYCOSYLPHOSPHATIDYLINOSITOL BIOSYNTHESIS DEFECT 13; Mental retardation, autosomal recessive 53. Identifiers: Orphanet 488635, MedGen C4310794, MONDO:0014832, OMIM 616917.

Submission:

Labcorp Genetics (formerly Invitae), Labcorp
Classification: Uncertain significance for Intellectual disability, autosomal recessive 53. Last evaluated: 2022-07-19. Review status: criteria provided, single submitter. Criteria: Invitae Variant Classification Sherloc (09022015). Collection method: clinical testing. Allele origin: germline.
Comment: ClinVar contains an entry for this variant (Variation ID: 1363290). This variant has not been reported in the literature in individuals affected with PIGG-related conditions. This variant is not present in population databases (gnomAD no frequency). This sequence change replaces valine, which is neutral and non-polar, with glycine, which is neutral and non-polar, at codon 708 of the PIGG protein (p.Val708Gly). Algorithms developed to predict the effect of missense changes on protein structure and function are either unavailable or do not agree on the potential impact of this missense change (SIFT: "Deleterious"; PolyPhen-2: "Benign"; Align-GVGD: "Class C0"). Algorithms developed to predict the effect of sequence changes on RNA splicing suggest that this variant may create or strengthen a splice site. In summary, the available evidence is currently insufficient to determine the role of this variant in disease. Therefore, it has been classified as a Variant of Uncertain Significance.